The following is an entry in ClinVar:

ClinVar aggregate classification (germline): Uncertain significance (1 of 4 stars; one submission).

Submission:

GeneDx
Classification: Uncertain significance. Last evaluated: 2021-01-18. Review status: criteria provided, single submitter. Criteria: GeneDx Variant Classification Process June 2021. Collection method: clinical testing. Allele origin: germline. Affected: yes.
Comment: Not observed in large population cohorts (Lek et al., 2016); In silico analysis supports that this missense variant has a deleterious effect on protein structure/function; Has not been previously published as pathogenic or benign to our knowledge

NM_153704.6(TMEM67):c.1111G>A (p.Gly371Arg)

Gene: TMEM67 (transmembrane protein 67; plus strand). Cytogenetic location: 8q22.1.
Variant type: single nucleotide variant.
Coding change: c.1111G>A on transcript NM_153704.6 (MANE Select); coding-DNA position 1111, G replaced by A.
Protein change: p.Gly371Arg; replaces glycine 371 with arginine.
Molecular consequence: missense variant. On other transcripts: non-coding transcript variant (1).
Genome position (GRCh38, 1-based): chr8:93,782,440, G>A. VCF-style: chr8-93782440-G-A. GRCh37 (hg19) VCF-style: chr8-94794668-G-A.
Other names: c.868G>A, p.Gly290Arg (NM_001142301.1); short protein forms G290R, G371R.
Identifiers: ClinVar variation 1302408 (VCV001302408.2), dbSNP rs2130672846, ClinGen allele CA371689125.